The following is an entry in ClinVar:

NM_000784.4(CYP27A1):c.108del (p.Ser37fs)

Gene: CYP27A1 (cytochrome P450 family 27 subfamily A member 1; plus strand). Cytogenetic location: 2q35.
Variant type: Deletion.
Coding change: c.108del on transcript NM_000784.4 (MANE Select); coding-DNA position 108, one base deleted (C; older notation c.108delC).
Protein change: p.Ser37fs; shifts the reading frame from serine 37.
Molecular consequence: frameshift variant.
Genome position (GRCh38, 1-based): chr2:218,782,290, C deleted; the last of 4 consecutive C bases (chr2:218,782,287-218,782,290); deleting any one gives the same sequence. VCF-style (leftmost placement, unchanged base first): chr2-218782286-TC-T. GRCh37 (hg19) VCF-style: chr2-219647009-TC-T.
Other names: short protein forms S37fs.
Identifiers: ClinVar variation 2429165 (VCV002429165.3), dbSNP rs2470201816, ClinGen allele CA2580065701.

ClinVar aggregate classification (germline): Likely pathogenic (1 of 4 stars; one submission).

Conditions:
Cholestanol storage disease (CTX). Also called: Cerebrotendinous Xanthomatosis; CEREBRAL CHOLESTERINOSIS; CTX: Cerebrotendinous xanthomatosis. Identifiers: Orphanet 909, MedGen C0238052, MONDO:0008948, OMIM 213700.

Submission:

Women's Health and Genetics/Laboratory Corporation of America, LabCorp
Classification: Likely pathogenic for Cholestanol storage disease. Last evaluated: 2023-01-07. Review status: criteria provided, single submitter. Criteria: LabCorp Variant Classification Summary - May 2015. Collection method: clinical testing. Allele origin: germline.
Comment: Variant summary: CYP27A1 c.108delC (p.Ser37ArgfsX21) results in a premature termination codon, predicted to cause a truncation of the encoded protein or absence of the protein due to nonsense mediated decay, which are commonly known mechanisms for disease. Truncations downstream of this position have been classified as pathogenic within ClinVar (c.358C>T [p.Gln120Ter], c.526del [p.Asp176fs]). The variant was absent in 212420 control chromosomes (gnomAD). To our knowledge, no occurrence of c.108delC in individuals affected with Cerebrotendinous Xanthomatosis and no experimental evidence demonstrating its impact on protein function have been reported. No clinical diagnostic laboratories have submitted clinical-significance assessments for this variant to ClinVar after 2014. Based on the evidence outlined above, the variant was classified as likely pathogenic.